The following is an entry in ClinVar:

NM_001199397.3(NEK1):c.379C>T (p.Arg127Ter)

Gene: NEK1 (NIMA related kinase 1; minus strand). Cytogenetic location: 4q33.
Variant type: single nucleotide variant.
Coding change: c.379C>T on transcript NM_001199397.3 (MANE Select); coding-DNA position 379, C replaced by T.
Protein change: p.Arg127Ter; replaces arginine 127 with a stop codon.
Molecular consequence: nonsense. On other transcripts: non-coding transcript variant (2).
Genome position (GRCh38, 1-based): chr4:169,590,743, G>A on the plus strand (C>T on the coding strand, the complement: NEK1 is on the minus strand). VCF-style: chr4-169590743-G-A. GRCh37 (hg19) VCF-style: chr4-170511894-G-A.
Other names: c.379C>T, p.Arg127Ter (NM_001199398.3, NM_001199399.3, NM_001199400.3 and 7 more transcripts); c.379C>T (NM_012224.2); short protein forms R127*.
Identifiers: ClinVar variation 30428 (VCV000030428.3), dbSNP rs387906890, ClinGen allele CA210565.

ClinVar aggregate classification (germline): Likely pathogenic. Review status: criteria provided, single submitter (1 of 4 stars). 3 submissions from 3 submitters: Likely pathogenic (1). 2 of the submissions do not count toward it. Last evaluated 2024-04-02.

Conditions:
NEK1-related disorder. Also called: NEK1-related condition.
Short-rib thoracic dysplasia 6 with or without polydactyly (SRTD6). Also called: Majewski Syndrome; SHORT RIB-POLYDACTYLY SYNDROME, TYPE IIA; SHORT-RIB THORACIC DYSPLASIA 6 WITH POLYDACTYLY; SHORT-RIB THORACIC DYSPLASIA 6 WITHOUT POLYDACTYLY; POLYDACTYLY WITH NEONATAL CHONDRODYSTROPHY, TYPE II. Identifiers: MedGen C0024507, MONDO:0009894, OMIM 263520.

Allele frequency attached by ClinVar (database versions not stated): ExAC 0.00002; gnomAD exomes 0.00003.

Submissions (3):

GeneDx
Classification: Likely pathogenic. Last evaluated: 2024-04-02. Review status: criteria provided, single submitter. Criteria: GeneDx Variant Classification Process June 2021. Collection method: clinical testing. Allele origin: germline. Affected: yes.
Comment: Nonsense variant predicted to result in protein truncation or nonsense mediated decay in a gene for which loss of function is a known mechanism of disease; This variant is associated with the following publications: (PMID: 25525159, 34426522, 31589614, 37223130, 21211617, 24884844)

PreventionGenetics, part of Exact Sciences
Classification: Likely pathogenic for NEK1-related condition. Last evaluated: 2023-11-09. Review status: no assertion criteria provided. Collection method: clinical testing. Allele origin: germline. Not counted in ClinVar's aggregate classification.
Comment: The NEK1 c.379C>T variant is predicted to result in premature protein termination (p.Arg127*). This variant was reported in the homozygous state in an individual(s) with short rib-polydactyly syndrome, Majewski type (Thiel et al 2011. PubMed ID: 21211617; El Hokayem J et al 2012. PubMed ID: 22499340). However, the parents and siblings of the probands, who were heterozygous for this variant, were not reported to have any features of amyotrophic lateral sclerosis (ALS, Thiel et al 2011. PubMed ID: 21211617). This variant is reported in 0.0061% of alleles in individuals of European (Non-Finnish) descent in gnomAD. Nonsense variants in NEK1 are expected to be pathogenic and there have been protein-truncating variants upstream and downstream of this variant reported in individuals with ALS (HGMD, ClinVar). This variant is interpreted as likely pathogenic and may display incomplete penetrance.

OMIM
Classification: Pathogenic for SHORT-RIB THORACIC DYSPLASIA 6 WITH POLYDACTYLY. Last evaluated: 2012-04-01. Review status: no assertion criteria provided. Collection method: literature only. Allele origin: germline. Not counted in ClinVar's aggregate classification.

Literature cited by the submitters: PubMed 21211617 (cited by OMIM); PubMed 22499340 (cited by OMIM).